The following is an entry in ClinVar:

NM_144997.7(FLCN):c.1179del (p.Met394fs)

Gene: FLCN (folliculin; minus strand). Cytogenetic location: 17p11.2.
Variant type: Deletion.
Coding change: c.1179del on transcript NM_144997.7 (MANE Select); coding-DNA position 1179, one base deleted (C; older notation c.1179delC).
Protein change: p.Met394fs; shifts the reading frame from methionine 394.
Molecular consequence: frameshift variant.
Genome position (GRCh38, 1-based): chr17:17,216,501, G deleted on the plus strand (C on the coding strand, the reverse complement: FLCN is on the minus strand); the first of 2 consecutive G bases (chr17:17,216,501-17,216,502); deleting either gives the same sequence. VCF-style (leftmost placement, unchanged base first): chr17-17216500-TG-T. GRCh37 (hg19) VCF-style: chr17-17119814-TG-T.
Other names: p.Met394Cysfs*74; c.1179del (LRG_325t1, NM_144997.5); c.1233del, p.Met412fs (NM_001353229.2); c.1179del, p.Met394fs (NM_001353230.2, NM_001353231.2); short protein forms M394fs, M412fs.
Identifiers: ClinVar variation 96471 (VCV000096471.17), dbSNP rs398124525, ClinGen allele CA224149.

ClinVar aggregate classification (germline): Pathogenic/Likely pathogenic. Review status: criteria provided, multiple submitters, no conflicts (2 of 4 stars). 5 submissions from 5 submitters: Pathogenic (4); Likely pathogenic (1). Last evaluated 2026-01-21.

Conditions:
Hereditary cancer-predisposing syndrome. Also called: Hereditary Cancer Syndrome; Neoplastic Syndromes, Hereditary; Hereditary neoplastic syndrome; Tumor predisposition. Identifiers: Orphanet 140162, MedGen C0027672, MeSH D009386, MONDO:0015356.
Birt-Hogg-Dube syndrome. Also called: Birt Hogg Dubé syndrome. Identifiers: Orphanet 122, MedGen C0346010, MONDO:0800444.

Submissions (5):

Labcorp Genetics (formerly Invitae), Labcorp
Classification: Pathogenic for Birt-Hogg-Dube syndrome. Last evaluated: 2026-01-21. Review status: criteria provided, single submitter. Criteria: Invitae Variant Classification Sherloc (09022015). Collection method: clinical testing. Allele origin: germline.
Comment: This sequence change creates a premature translational stop signal (p.Met394Cysfs*74) in the FLCN gene. It is expected to result in an absent or disrupted protein product. Loss-of-function variants in FLCN are known to be pathogenic (PMID: 15852235). This variant is not present in population databases (gnomAD no frequency). This variant has not been reported in the literature in individuals affected with FLCN-related conditions. ClinVar contains an entry for this variant (Variation ID: 96471). For these reasons, this variant has been classified as Pathogenic.

Mayo Clinic Laboratories, Mayo Clinic
Classification: Likely pathogenic. Last evaluated: 2023-10-30. Review status: criteria provided, single submitter. Criteria: ACMG Guidelines, 2015. Collection method: clinical testing. Allele origin: germline. Observed: 1 variant allele.
Comment: PM2_moderate, PVS1

Ambry Genetics
Classification: Pathogenic for Hereditary cancer-predisposing syndrome. Last evaluated: 2022-07-21. Review status: criteria provided, single submitter. Criteria: Ambry Variant Classification Scheme 2023. Collection method: clinical testing. Allele origin: germline.
Comment: The c.1179delC pathogenic mutation, located in coding exon 8 of the FLCN gene, results from a deletion of one nucleotide at nucleotide position 1179, causing a translational frameshift with a predicted alternate stop codon (p.M394Cfs*74). This alteration has been observed in at least one individual with a personal and/or family history that is consistent with FLCN-related disease (Ambry internal data). This variant is considered to be rare based on population cohorts in the Genome Aggregation Database (gnomAD). This alteration is expected to result in loss of function by premature protein truncation or nonsense-mediated mRNA decay. As such, this alteration is interpreted as a disease-causing mutation.

GeneDx
Classification: Pathogenic. Last evaluated: 2015-12-17. Review status: criteria provided, single submitter. Criteria: GeneDx Variant Classification (06012015). Collection method: clinical testing. Allele origin: germline. Affected: yes.
Comment: The c.1179delC pathogenic variant in the FLCN gene causes a frameshift starting with codon Methionine 394, changes this amino acid to a Cysteine residue and creates a premature Stop codon at position 74 of the new reading frame, denoted p.Met394CysfsX74. This variant is predicted to cause loss of normal protein function either through protein truncation or nonsense-mediated mRNA decay.

Eurofins Ntd Llc (ga)
Classification: Pathogenic. Last evaluated: 2013-04-19. Review status: criteria provided, single submitter. Criteria: EGL Classification Definitions 2015. Collection method: clinical testing. Allele origin: germline. Observed: 2 variant alleles, 2 heterozygotes.

Literature cited by the submitters: PubMed 15852235 (cited by Labcorp Genetics (formerly Invitae), Labcorp).